The following is an entry in ClinVar:

ClinVar aggregate classification (germline): Pathogenic/Likely pathogenic. Review status: criteria provided, multiple submitters, no conflicts (2 of 4 stars). 12 submissions from 12 submitters: Pathogenic (10); Likely pathogenic (2). Last evaluated 2026-03-31.

Conditions:
COL1A2-related disorder. Also called: COL1A2-Related Disorders; COL1A2-related condition.
Ehlers-Danlos syndrome, classic type, 1 (EDSCL1). Also called: Ehlers-Danlos Syndrome, Classic Type, COL5A1-Related; EHLERS-DANLOS SYNDROME, GRAVIS TYPE; EHLERS-DANLOS SYNDROME, SEVERE CLASSIC TYPE; EDS I; Ehlers-Danlos syndrome, type 1. Identifiers: MedGen C0268335, MONDO:0019567, OMIM 130000.
Osteogenesis imperfecta type I (OI1). Also called: OSTEOGENESIS IMPERFECTA TARDA; OSTEOGENESIS IMPERFECTA WITH BLUE SCLERAE; Osteogenesis imperfecta type 1; OI, TYPE I; Lobstein's Disease; Lobstein disease. Identifiers: Orphanet 216796, Orphanet 666, MedGen C0023931, MONDO:0008146, OMIM 166200. Disease mechanism: loss of function.
Ehlers-Danlos syndrome, arthrochalasia type, 2. Also called: EHLERS-DANLOS SYNDROME, TYPE VIIB, AUTOSOMAL DOMINANT. Identifiers: MedGen CN293783, MONDO:0040501, OMIM 617821.
Osteogenesis imperfecta (OI). Identifiers: Orphanet 666, MedGen C0029434, MeSH D010013, MONDO:0019019.
Osteogenesis imperfecta with normal sclerae, dominant form (OI4). Also called: OSTEOGENESIS IMPERFECTA, TYPE IV, WITH DENTINOGENESIS IMPERFECTA; OSTEOGENESIS IMPERFECTA WITH NORMAL SCLERAE; Osteogenesis imperfecta type 4; Osteogenesis Imperfecta Type IV; Common Variable Osteogenesis Imperfecta with Normal Sclerae. Identifiers: Orphanet 216820, Orphanet 666, MedGen C0268363, MONDO:0008148, OMIM 166220.

Allele frequency attached by ClinVar (database versions not stated): gnomAD exomes below 0.00001.
gnomAD v4.1: 2 of 1,614,068 alleles (0.00012%); highest among the groups gnomAD compares: East Asian, 0.0022%; no homozygotes.

Submissions 1 to 10 of 12:

PreventionGenetics, part of Exact Sciences
Classification: Pathogenic for COL1A2-related condition. Last evaluated: 2026-03-31. Review status: criteria provided, single submitter. Criteria: ACMG Guidelines, 2015. Collection method: clinical testing. Allele origin: germline.
Comment: The COL1A2 c.2314G>A variant is predicted to result in the amino acid substitution p.Gly772Ser. This variant is also referred to as p.Gly682Ser. The p.Gly772Ser amino acid is located in the conserved Gly-Xaa-Yaa triple helical domain where substitutions of a glycine are usually pathogenic (Marini et al. 2007. PubMed ID: 17078022). This variant has been reported to be causative for osteogenesis imperfecta (see example: Nuytinck et al. 1997. PubMed ID: 9272740; Mrosk et al. 2018. PubMed ID: 29499418; Balasubramanian et al. 2016. PubMed ID: 26471105). This variant has not been reported in a large population database (gnomAD), indicating this variant is rare. Alternative substitutions affecting the same amino (p.Gly772Arg & p.Gly772Cys) have been reported in individuals with osteogenesis imperfecta (Yamaguti et al. 2023. PubMed ID: 36951356; Table S1, Tüysüz et al. 2022. PubMed ID: 34902613). This variant is interpreted as pathogenic.

Labcorp Genetics (formerly Invitae), Labcorp
Classification: Pathogenic for Osteogenesis imperfecta type I; Ehlers-Danlos syndrome, classic type, 1. Last evaluated: 2025-11-11. Review status: criteria provided, single submitter. Criteria: Invitae Variant Classification Sherloc (09022015). Collection method: clinical testing. Allele origin: germline.
Comment: This sequence change replaces glycine, which is neutral and non-polar, with serine, which is neutral and polar, at codon 772 of the COL1A2 protein (p.Gly772Ser). This variant is not present in population databases (gnomAD no frequency). This missense change has been observed in individuals with autosomal dominant osteogenesis imperfecta (PMID: 9272740, 17078022, 23934635, 26471105). It has also been observed to segregate with disease in related individuals. ClinVar contains an entry for this variant (Variation ID: 420022). Invitae Evidence Modeling of protein sequence and biophysical properties (such as structural, functional, and spatial information, amino acid conservation, physicochemical variation, residue mobility, and thermodynamic stability) indicates that this missense variant is expected to disrupt COL1A2 protein function with a positive predictive value of 95%. For these reasons, this variant has been classified as Pathogenic.

Dasa
Classification: Pathogenic. Last evaluated: 2025-09-02. Review status: criteria provided, single submitter. Criteria: DASA Assertion Criteria. Collection method: clinical testing. Allele origin: germline.
Comment: NM_000089.4(COL1A2):c.2314G>A (p.Gly772Ser) is a missense variant that results in the substitution of glycine with serine. The affected residue or protein region has prior evidence supporting clinical relevance. De novo occurrence has been reported in an individual with related phenotype. Segregation evidence has been reported in affected families. Functional evidence supports a deleterious effect on the gene or gene product (PMID: 26471105; PMID: 23934635; PMID: 31429852; PMID: 32166892; PMID: 31447884). This variant has been recurrently observed in individuals with related phenotype (PMID: 26471105; PMID: 23934635; PMID: 31429852; PMID: 32166892; PMID: 31447884). Multiple computational predictions support a deleterious effect on the gene or gene product. The variant is present at low frequency in population datasets. Based on the available data, this variant is classified as pathogenic.

GeneDx
Classification: Pathogenic. Last evaluated: 2025-01-09. Review status: criteria provided, single submitter. Criteria: GeneDx Variant Classification Process June 2021. Collection method: clinical testing. Allele origin: germline. Affected: yes.
Comment: Occurs in the triple helical domain and replaces a glycine in a canonical Gly-X-Y repeat; missense substitution of a canonical glycine residue is expected to disrupt normal protein folding and function, and this is an established mechanism of disease (PMID: 34007986); Not observed at significant frequency in large population cohorts (gnomAD); In silico analysis supports that this missense variant has a deleterious effect on protein structure/function; This variant is associated with the following publications: (PMID: 9272740, 37270749, 35909573, 29499418, 17078022, 23934635, 26471105, 30886339, 31429852, 33939306, 35822426, 32166892, 35154279, 34007986, 32123938)

Genomic Medicine Center of Excellence, King Faisal Specialist Hospital and Research Centre
Classification: Likely pathogenic for Ehlers-Danlos syndrome, arthrochalasia type, 2. Last evaluated: 2024-03-25. Review status: criteria provided, single submitter. Criteria: ACMG Guidelines, 2015. Collection method: research. Allele origin: germline.

Revvity Omics, Revvity
Classification: Pathogenic. Last evaluated: 2023-11-21. Review status: criteria provided, single submitter. Criteria: ACMG Guidelines, 2015. Collection method: clinical testing. Allele origin: germline.

Blueprint Genetics
Classification: Pathogenic for COL1A2-related disorders. Last evaluated: 2023-07-28. Review status: criteria provided, single submitter. Criteria: ACMG Guidelines, 2015. Collection method: clinical testing. Allele origin: germline. Affected: yes. Observed: 4 variant alleles.

Victorian Clinical Genetics Services, Murdoch Childrens Research Institute
Classification: Pathogenic for Osteogenesis imperfecta with normal sclerae, dominant form. Last evaluated: 2022-09-02. Review status: criteria provided, single submitter. Criteria: ACMG Guidelines, 2015. Collection method: clinical testing. Allele origin: germline. Inheritance: Autosomal dominant inheritance. Affected: yes.
Comment: Based on the classification scheme VCGS_Germline_v1.3.4, this variant is classified as Pathogenic. Following criteria are met: 0103 - Dominant negative and loss of function are known mechanisms of disease in this gene. Heterozygous missense variants causing severe and lethal forms of osteogenesis imperfecta (MIM#166210, #259420, #166220) are due to a dominant negative mechanism, whereas biallelic loss of function variants result in the autosomal recessive form of Ehlers-Danlos syndrome (MIM#225320). The exact mechanism of disease for the autosomal dominant form of Ehlers-Danlos syndrome (MIM#2617821) remains unclear, however variants have been shown to result in whole or partial skipping of exon 6 (PMID: 12362985, 31218159). (I) 0108 - This gene is associated with both recessive and dominant disease. Most phenotypes associated with this gene are autosomal dominant, however the cardiac valvular type of Ehlers-Danlos syndrome (MIM#225320) is recessively inherited (OMIM). (I) 0115 - Variants in this gene are known to have variable expressivity (PMID: 20301472). (I) 0200 - Variant is predicted to result in a missense amino acid change from glycine to serine. (I) 0251 - This variant is heterozygous. (I) 0301 - Variant is absent from gnomAD (both v2 and v3). (SP) 0501 - Missense variant consistently predicted to be damaging by multiple in silico tools or highly conserved with a major amino acid change. (SP) 0601 - Variant is located in the annotated collagen triple helix and affects the Gly of a Gly-X-Y repeat (DECIPHER). (I) 0801 - This variant has strong previous evidence of pathogenicity in unrelated individuals. This variant has been reported in multiple individuals with osteogenesis imperfecta (PMID: 23934635, 31429852, 31447884, 33939306). It has also been reported multiple times as pathogenic in ClinVar. (SP) 1208 - Inheritance information for this variant is not currently available in this individual. (I) Legend: (SP) - Supporting pathogenic, (I) - Information, (SB) - Supporting benign

Genome Diagnostics Laboratory, The Hospital for Sick Children
Classification: Likely pathogenic for Osteogenesis imperfecta. Last evaluated: 2021-11-30. Review status: criteria provided, single submitter. Criteria: ACMG Guidelines, 2015. Collection method: clinical testing. Allele origin: germline.

Laboratorio de Genetica e Diagnostico Molecular, Hospital Israelita Albert Einstein
Classification: Pathogenic for Osteogenesis imperfecta with normal sclerae, dominant form. Last evaluated: 2021-05-31. Review status: criteria provided, single submitter. Criteria: ACMG Guidelines, 2015. Collection method: clinical testing. Allele origin: germline. Affected: yes.
Comment: ACMG classification criteria: PS4 moderate, PM2 moderate, PP1 strong, PP3 supporting

NM_000089.4(COL1A2):c.2314G>A (p.Gly772Ser)

Gene: COL1A2 (collagen type I alpha 2 chain; plus strand). Cytogenetic location: 7q21.3.
Variant type: single nucleotide variant.
Coding change: c.2314G>A on transcript NM_000089.4 (MANE Select); coding-DNA position 2314, G replaced by A.
Protein change: p.Gly772Ser; replaces glycine 772 with serine.
Molecular consequence: missense variant.
Genome position (GRCh38, 1-based): chr7:94,421,027, G>A. VCF-style: chr7-94421027-G-A. GRCh37 (hg19) VCF-style: chr7-94050339-G-A.
Other names: short protein forms G772S.
Identifiers: ClinVar variation 420022 (VCV000420022.38), dbSNP rs72658185, ClinGen allele CA16618576.